The following is an entry in ClinVar:

ClinVar aggregate classification (germline): Likely benign (1 of 4 stars; one submission).

Allele frequency attached by ClinVar (database versions not stated): gnomAD exomes below 0.00001; gnomAD 0.00001.
gnomAD v4.1: 2 of 1,558,822 alleles (0.00013%); highest among the groups gnomAD compares: Non-Finnish European, 0.00017%; no homozygotes.

Submission:

GeneDx
Classification: Likely benign. Last evaluated: 2018-03-06. Review status: criteria provided, single submitter. Criteria: GeneDx Variant Classification (06012015). Collection method: clinical testing. Allele origin: germline. Affected: yes.
Comment: This variant is considered likely benign or benign based on one or more of the following criteria: it is a conservative change, it occurs at a poorly conserved position in the protein, it is predicted to be benign by multiple in silico algorithms, and/or has population frequency not consistent with disease.

NM_001127222.2(CACNA1A):c.1257T>C (p.Ala419=)

Gene: CACNA1A (calcium voltage-gated channel subunit alpha1 A; minus strand). Cytogenetic location: 19p13.13.
Variant type: single nucleotide variant.
Coding change: c.1257T>C on transcript NM_001127222.2 (MANE Select); coding-DNA position 1257, T replaced by C.
Protein change: p.Ala419=; no amino-acid change (alanine 419 retained).
Molecular consequence: synonymous variant.
Genome position (GRCh38, 1-based): chr19:13,330,332, A>G on the plus strand (T>C on the coding strand, the complement: CACNA1A is on the minus strand). VCF-style: chr19-13330332-A-G. GRCh37 (hg19) VCF-style: chr19-13441146-A-G.
Other names: c.1260T>C, p.Ala420= (NM_000068.4, NM_001127221.2, NM_001174080.2 and 1 more transcripts).
Identifiers: ClinVar variation 515910 (VCV000515910.1), dbSNP rs1555766602, ClinGen allele CA505663929.
Genomic context (GRCh38, chr19:13,330,332, plus strand): 5'-CTCAGCCTCTTCGGGGTTGAGCAAATCTGTCTTGCTTTTCTTTATGGTGGTTCTCCGCAG[A>G]GCTCCAACAATGGAAACATGGCAAGAGAAAAAGACGTTACCCTTTTTGCAACACAGACCA-3'
Protein context (NP_001120694.1, residues 409-429): TDGEQRHPFD[Ala419=]LRRTTIKKSK